The following is an entry in ClinVar:

ClinVar aggregate classification (germline): Pathogenic (1 of 4 stars; one submission).

Conditions:
Glycogen storage disease, type II (IOPD). Also called: Pompe Disease; CARDIOMEGALIA GLYCOGENICA DIFFUSA; GLYCOGENOSIS, GENERALIZED, CARDIAC FORM; GSD II; POMPE DISEASE, INFANTILE-ONSET; GLYCOGEN STORAGE DISEASE II, INFANTILE-ONSET. Identifiers: Orphanet 365, MedGen C0017921, MONDO:0009290, OMIM 232300.

Submission:

Genomenon, Inc
Classification: Pathogenic for Glycogen storage disease, type II. Last evaluated: 2026-07-01. Review status: criteria provided, single submitter. Criteria: Genomenon Sequence Variant Interpretation Standards - Updated. Collection method: curation. Allele origin: germline. Affected: yes.
Comment: GAA p.Ser9ProfsTer34 (c.25del) is a frameshift variant that is predicted to introduce a premature termination codon and result in a truncated or absent protein product. This variant has been observed in at least one proband with a GAA-related disorder (PMID:18285536). It is absent or not present at a significant frequency in gnomAD. In conclusion, we classify GAA p.Ser9ProfsTer34 (c.25del) as a pathogenic variant.

Literature cited by the submitters: PubMed 18285536.

NM_000152.5(GAA):c.25del (p.Ser9fs)

Gene: GAA (alpha glucosidase; plus strand). Cytogenetic location: 17q25.3.
Variant type: Deletion.
Coding change: c.25del on transcript NM_000152.5 (MANE Select); coding-DNA position 25, one base deleted (T; older notation c.25delT).
Protein change: p.Ser9fs; shifts the reading frame from serine 9.
Molecular consequence: frameshift variant.
Genome position (GRCh38, 1-based): chr17:80,104,611, T deleted. VCF-style (leftmost placement, unchanged base first): chr17-80104610-CT-C. GRCh37 (hg19) VCF-style: chr17-78078409-CT-C.
Other names: c.25del, p.Ser9fs (NM_001079803.3, NM_001079804.3, NM_001406741.1 and 1 more transcripts); short protein forms S9fs.
Identifiers: ClinVar variation 4876267 (VCV004876267.1).
Genomic context (GRCh38, chr17:80,104,610, plus strand): 5'-CGCAGGCCTGTAGGAGCTGTCCAGGCCATCTCCAACCATGGGAGTGAGGCACCCGCCCTG[CT>C]CCCACCGGCTCCTGGCCGTCTGCGCCCTCGTGTCCTTGGCAACCGCTGCACTCCTGGGGC-3'